The following is an entry in ClinVar:

NM_000443.4(ABCB4):c.91del (p.Arg31fs)

Gene: ABCB4 (ATP binding cassette subfamily B member 4; minus strand). Cytogenetic location: 7q21.12.
Variant type: Deletion.
Coding change: c.91del on transcript NM_000443.4 (MANE Select); coding-DNA position 91, one base deleted (A; older notation c.91delA).
Protein change: p.Arg31fs; shifts the reading frame from arginine 31.
Molecular consequence: frameshift variant.
Genome position (GRCh38, 1-based): chr7:87,472,665, T deleted on the plus strand (A on the coding strand, the reverse complement: ABCB4 is on the minus strand); the first of 6 consecutive T bases (chr7:87,472,665-87,472,670); deleting any one gives the same sequence. VCF-style (leftmost placement, unchanged base first): chr7-87472664-CT-C. GRCh37 (hg19) VCF-style: chr7-87101980-CT-C.
Other names: c.91delA (NM_000443.3); c.91del, p.Arg31fs (NM_018850.3, NM_018849.3); short protein forms R31fs.
Identifiers: ClinVar variation 2966270 (VCV002966270.4), dbSNP rs1430830807, ClinGen allele CA575857675.

ClinVar aggregate classification (germline): Pathogenic/Likely pathogenic. Review status: criteria provided, multiple submitters, no conflicts (2 of 4 stars). 2 submissions from 2 submitters: Pathogenic (1); Likely pathogenic (1). Last evaluated 2026-09-03.

Conditions:
ABCB4-related disorder. Also called: ABCB4-related disorders; ABCB4-related condition.

Submissions (2):

PreventionGenetics, part of Exact Sciences
Classification: Likely pathogenic for ABCB4-related condition. Last evaluated: 2026-09-03. Review status: criteria provided, single submitter. Criteria: ACMG Guidelines, 2015. Collection method: clinical testing. Allele origin: germline.
Comment: The ABCB4 c.91delA variant is predicted to result in a frameshift and premature protein termination (p.Arg31Glyfs*7). To our knowledge, this variant has not been reported in the literature or in a large population database (gnomAD), indicating this variant is rare. Frameshift variants in ABCB4 are expected to be pathogenic. This variant is interpreted as likely pathogenic.

Labcorp Genetics (formerly Invitae), Labcorp
Classification: Pathogenic. Last evaluated: 2025-07-31. Review status: criteria provided, single submitter. Criteria: Invitae Variant Classification Sherloc (09022015). Collection method: clinical testing. Allele origin: germline.
Comment: This sequence change creates a premature translational stop signal (p.Arg31Glyfs*7) in the ABCB4 gene. It is expected to result in an absent or disrupted protein product. Loss-of-function variants in ABCB4 are known to be pathogenic (PMID: 17726488, 25755532). This variant is not present in population databases (gnomAD no frequency). This variant has not been reported in the literature in individuals affected with ABCB4-related conditions. ClinVar contains an entry for this variant (Variation ID: 2966270). For these reasons, this variant has been classified as Pathogenic.

Literature cited by the submitters: PubMed 17726488 (cited by Labcorp Genetics (formerly Invitae), Labcorp); PubMed 25755532 (cited by Labcorp Genetics (formerly Invitae), Labcorp).